The following is an entry in ClinVar:

NM_000159.4(GCDH):c.334+1G>A

Gene: GCDH (glutaryl-CoA dehydrogenase; plus strand). Cytogenetic location: 19p13.13.
Variant type: single nucleotide variant.
Coding change: c.334+1G>A on transcript NM_000159.4 (MANE Select); the canonical splice donor site of the intron after coding-DNA position 334, G replaced by A.
Molecular consequence: splice donor variant.
Genome position (GRCh38, 1-based): chr19:12,892,179, G>A. VCF-style: chr19-12892179-G-A. GRCh37 (hg19) VCF-style: chr19-13002993-G-A.
Other names: c.334+1G>A (NM_000159.3, NM_013976.5).
Identifiers: ClinVar variation 2863140 (VCV002863140.4), dbSNP rs2512565797, ClinGen allele CA404316148.

ClinVar aggregate classification (germline): Likely pathogenic. Review status: criteria provided, multiple submitters, no conflicts (2 of 4 stars). 2 submissions from 2 submitters: Likely pathogenic (2). Last evaluated 2024-07-09.

Conditions:
Glutaric aciduria, type 1. Also called: Glutaric Acidemia Type 1; GA I; Glutaricaciduria, type I; Glutaryl-CoA dehydrogenase deficiency; Glutaric acidemia type I; Glutaricacidemia Type 1. Identifiers: Orphanet 25, MedGen C0268595, MONDO:0009281, OMIM 231670.

Submissions (2):

Natera, Inc.
Classification: Likely pathogenic for Glutaric acidemia type 1. Last evaluated: 2024-07-09. Review status: criteria provided, single submitter. Criteria: Natera Variant Classification Schema (03/2026). Collection method: clinical testing. Allele origin: germline.
Comment: The c.334+1G>A variant in GCDH is a canonical splice donor site variant predicted to affect pre-mRNA splicing, which may result in an abnormal transcript and altered protein product. This variant is expected to result in nonsense mediated decay, truncation, or a dysfunctional protein product. This variant is rare in the general population with a frequency below the threshold expected for the associated phenotype(s). Given the available evidence, this variant is classified as Likely Pathogenic.

Labcorp Genetics (formerly Invitae), Labcorp
Classification: Likely pathogenic for Glutaric aciduria, type 1. Last evaluated: 2023-05-11. Review status: criteria provided, single submitter. Criteria: Invitae Variant Classification Sherloc (09022015). Collection method: clinical testing. Allele origin: germline.
Comment: In summary, the currently available evidence indicates that the variant is pathogenic, but additional data are needed to prove that conclusively. Therefore, this variant has been classified as Likely Pathogenic. Algorithms developed to predict the effect of sequence changes on RNA splicing suggest that this variant may disrupt the consensus splice site. This variant has not been reported in the literature in individuals affected with GCDH-related conditions. This variant is not present in population databases (gnomAD no frequency). This sequence change affects a donor splice site in intron 5 of the GCDH gene. It is expected to disrupt RNA splicing. Variants that disrupt the donor or acceptor splice site typically lead to a loss of protein function (PMID: 16199547), and loss-of-function variants in GCDH are known to be pathogenic (PMID: 10699052, 11854167, 16602100).

Literature cited by the submitters: PubMed 16199547 (cited by Labcorp Genetics (formerly Invitae), Labcorp); PubMed 10699052 (cited by Labcorp Genetics (formerly Invitae), Labcorp); PubMed 11854167 (cited by Labcorp Genetics (formerly Invitae), Labcorp); PubMed 16602100 (cited by Labcorp Genetics (formerly Invitae), Labcorp).